The following is an entry in ClinVar:

ClinVar aggregate classification (germline): Uncertain significance (1 of 4 stars; one submission).

Conditions:
Tumor predisposition syndrome 3 (TPDS3). Also called: LONG TELOMERE SYNDROME, POT1-RELATED; POT1 Tumor Predisposition; Melanoma, cutaneous malignant, susceptibility to, 10; Glioma susceptibility 9. Identifiers: Orphanet 618, MedGen C4014476, MONDO:0014368, OMIM 615848.

Submission:

Labcorp Genetics (formerly Invitae), Labcorp
Classification: Uncertain significance for Tumor predisposition syndrome 3. Last evaluated: 2023-09-01. Review status: criteria provided, single submitter. Criteria: Invitae Variant Classification Sherloc (09022015). Collection method: clinical testing. Allele origin: germline.
Comment: This variant has not been reported in the literature in individuals affected with POT1-related conditions. This variant is not present in population databases (gnomAD no frequency). This sequence change replaces threonine, which is neutral and polar, with asparagine, which is neutral and polar, at codon 165 of the POT1 protein (p.Thr165Asn). Advanced modeling of protein sequence and biophysical properties (such as structural, functional, and spatial information, amino acid conservation, physicochemical variation, residue mobility, and thermodynamic stability) performed at Invitae indicates that this missense variant is not expected to disrupt POT1 protein function. In summary, the available evidence is currently insufficient to determine the role of this variant in disease. Therefore, it has been classified as a Variant of Uncertain Significance.

NM_015450.3(POT1):c.494C>A (p.Thr165Asn)

Gene: POT1 (protection of telomeres 1; minus strand). Cytogenetic location: 7q31.33.
Variant type: single nucleotide variant.
Coding change: c.494C>A on transcript NM_015450.3 (MANE Select); coding-DNA position 494, C replaced by A.
Protein change: p.Thr165Asn; replaces threonine 165 with asparagine.
Molecular consequence: missense variant. On other transcripts: non-coding transcript variant (3).
Genome position (GRCh38, 1-based): chr7:124,863,402, G>T on the plus strand (C>A on the coding strand, the complement: POT1 is on the minus strand). VCF-style: chr7-124863402-G-T. GRCh37 (hg19) VCF-style: chr7-124503456-G-T.
Other names: c.101C>A, p.Thr34Asn (NM_001042594.2); short protein forms T34N, T165N.
Identifiers: ClinVar variation 2871293 (VCV002871293.3), dbSNP rs1268645335, ClinGen allele CA369058890.
Genomic context (GRCh38, chr7:124,863,402, plus strand): 5'-ATATGTACCTTTAGAAGAAATGATGCTCCGTCCACTTCTGCTTTGCCCAAGAGCTGACAA[G>T]TCAGGTCAAAATACTGCATTGGCTGAACATCACACAATTTTAGTAATGTCCAAGACGGTG-3'
Protein context (NP_056265.2, residues 155-175): DVQPMQYFDL[Thr165Asn]CQLLGKAEVD